The following is an entry in ClinVar:

NM_000522.5(HOXA13):c.196G>T (p.Ala66Ser)

Genes: HOXA13 (homeobox A13; minus strand), LOC107126288 (NUP98-HOXA13 recombination region; plus strand). Cytogenetic location: 7p15.2.
Variant type: single nucleotide variant.
Coding change: c.196G>T on transcript NM_000522.5 (MANE Select); coding-DNA position 196, G replaced by T.
Protein change: p.Ala66Ser; replaces alanine 66 with serine.
Molecular consequence: missense variant.
Genome position (GRCh38, 1-based): chr7:27,199,882, C>A on the plus strand (G>T on the coding strand, the complement: HOXA13 is on the minus strand). VCF-style: chr7-27199882-C-A. GRCh37 (hg19) VCF-style: chr7-27239501-C-A.
Other names: c.196G>T (NM_000522.4); short protein forms A66S.
Identifiers: ClinVar variation 2063037 (VCV002063037.8), dbSNP rs773516831, ClinGen allele CA4198694.

ClinVar aggregate classification (germline): Uncertain significance. Review status: criteria provided, multiple submitters, no conflicts (2 of 4 stars). 3 submissions from 3 submitters: Uncertain significance (2). 1 of the submissions does not count toward it. Last evaluated 2025-07-20.

Conditions:
HOXA13-related disorder. Also called: HOXA13-related condition.

Allele frequency attached by ClinVar (database versions not stated): TOPMed 0.00005; gnomAD exomes 0.00010; gnomAD 0.00013; 1000 Genomes Project 30x 0.00094.

Submissions (3):

Labcorp Genetics (formerly Invitae), Labcorp
Classification: Uncertain significance. Last evaluated: 2025-07-20. Review status: criteria provided, single submitter. Criteria: Invitae Variant Classification Sherloc (09022015). Collection method: clinical testing. Allele origin: germline.
Comment: This sequence change replaces alanine, which is neutral and non-polar, with serine, which is neutral and polar, at codon 66 of the HOXA13 protein (p.Ala66Ser). The frequency data for this variant in the population databases is considered unreliable, as metrics indicate insufficient coverage at this position in the gnomAD database. This variant has not been reported in the literature in individuals affected with HOXA13-related conditions. ClinVar contains an entry for this variant (Variation ID: 2063037). Experimental studies and prediction algorithms are not available or were not evaluated, and the functional significance of this variant is currently unknown. In summary, the available evidence is currently insufficient to determine the role of this variant in disease. Therefore, it has been classified as a Variant of Uncertain Significance.

Revvity Omics, Revvity
Classification: Uncertain significance. Last evaluated: 2020-07-19. Review status: criteria provided, single submitter. Criteria: ACMG Guidelines, 2015. Collection method: clinical testing. Allele origin: germline.

PreventionGenetics, part of Exact Sciences
Classification: Likely benign for HOXA13-related condition. Last evaluated: 2024-03-29. Review status: no assertion criteria provided. Collection method: clinical testing. Allele origin: germline. Not counted in ClinVar's aggregate classification.
Comment: This variant is classified as likely benign based on ACMG/AMP sequence variant interpretation guidelines (Richards et al. 2015 PMID: 25741868, with internal and published modifications).